The following is an entry in ClinVar:

ClinVar aggregate classification (germline): Uncertain significance (0 of 4 stars; one submission).

Submission:

OMIM
Classification: Uncertain significance for VARIANT OF UNKNOWN SIGNIFICANCE. Last evaluated: 2022-12-08. Review status: no assertion criteria provided. Collection method: literature only. Allele origin: germline.

Literature cited by the submitters: PubMed 34908525.

NM_001144958.2(CRACR2A):c.[430A>G;898G>T]

Variant type: Haplotype.
Identifiers: ClinVar variation 1802646 (VCV001802646.1).